The following is an entry in ClinVar:

ClinVar aggregate classification (germline): Uncertain significance. Review status: criteria provided, multiple submitters, no conflicts (2 of 4 stars). 2 submissions from 2 submitters: Uncertain significance (2). Last evaluated 2025-10-15.

Conditions:
Orofaciodigital syndrome I (OFD1). Also called: OFDS I; Papillon-Leage and Psaume Syndrome; Oral-Facial-Digital Syndrome Type I. Identifiers: Orphanet 2750, MedGen C1510460, MONDO:0010702, OMIM 311200.
Joubert syndrome. Also called: JOUBERT-BOLTSHAUSER SYNDROME; Familial aplasia of the vermis. Identifiers: Orphanet 475, MedGen C5979921, MONDO:0018772.
Primary ciliary dyskinesia. Also called: Ciliary dyskinesia. Identifiers: Orphanet 244, MedGen C0008780, MONDO:0016575, HP:0012265.

Allele frequency attached by ClinVar (database versions not stated): ExAC 0.00001; gnomAD exomes 0.00001; TOPMed 0.00001; gnomAD 0.00002.
gnomAD v4.1: 12 of 1,207,002 alleles (0.00099%); highest among the groups gnomAD compares: Middle Eastern, 0.023%; no homozygotes.

Submissions (2):

Ambry Genetics
Classification: Uncertain significance for Primary ciliary dyskinesia. Last evaluated: 2025-10-15. Review status: criteria provided, single submitter. Criteria: Ambry Variant Classification Scheme 2023. Collection method: clinical testing. Allele origin: germline.

Labcorp Genetics (formerly Invitae), Labcorp
Classification: Uncertain significance for Orofaciodigital syndrome I; Joubert syndrome. Last evaluated: 2025-01-06. Review status: criteria provided, single submitter. Criteria: Invitae Variant Classification Sherloc (09022015). Collection method: clinical testing. Allele origin: germline.
Comment: This sequence change replaces arginine, which is basic and polar, with tryptophan, which is neutral and slightly polar, at codon 487 of the OFD1 protein (p.Arg487Trp). This variant is present in population databases (rs777967128, gnomAD 0.004%). This variant has not been reported in the literature in individuals affected with OFD1-related conditions. ClinVar contains an entry for this variant (Variation ID: 2928400). Invitae Evidence Modeling of protein sequence and biophysical properties (such as structural, functional, and spatial information, amino acid conservation, physicochemical variation, residue mobility, and thermodynamic stability) indicates that this missense variant is not expected to disrupt OFD1 protein function with a negative predictive value of 80%. In summary, the available evidence is currently insufficient to determine the role of this variant in disease. Therefore, it has been classified as a Variant of Uncertain Significance.

NM_003611.3(OFD1):c.1459C>T (p.Arg487Trp)

Gene: OFD1 (OFD1 centriole and centriolar satellite protein; plus strand). Cytogenetic location: Xp22.2.
Variant type: single nucleotide variant.
Coding change: c.1459C>T on transcript NM_003611.3 (MANE Select); coding-DNA position 1459, C replaced by T.
Protein change: p.Arg487Trp; replaces arginine 487 with tryptophan.
Molecular consequence: missense variant.
Genome position (GRCh38, 1-based): chrX:13,757,707, C>T. VCF-style: chrX-13757707-C-T. GRCh37 (hg19) VCF-style: chrX-13775826-C-T.
Other names: c.1339C>T, p.Arg447Trp (NM_001330209.2); c.1039C>T, p.Arg347Trp (NM_001330210.2); c.1459C>T (NM_003611.2); short protein forms R487W, R447W, R347W.
Identifiers: ClinVar variation 2928400 (VCV002928400.3), dbSNP rs777967128, ClinGen allele CA10351825.